The following is an entry in ClinVar:

ClinVar aggregate classification (germline): Pathogenic/Likely pathogenic. Review status: criteria provided, multiple submitters, no conflicts (2 of 4 stars). 4 submissions from 4 submitters: Pathogenic (1); Likely pathogenic (2). 1 of the submissions does not count toward it. Last evaluated 2024-01-19.

Conditions:
Hearing loss, autosomal recessive 119. Also called: DEAFNESS, AUTOSOMAL RECESSIVE 119. Identifiers: MedGen C5562023, MONDO:0030480, OMIM 619615.

Allele frequency attached by ClinVar (database versions not stated): gnomAD exomes 0.00008 and 0.00018; gnomAD 0.00006 and 0.00007; ExAC 0.00040.

Submissions (4):

Revvity Omics, Revvity
Classification: Pathogenic. Last evaluated: 2024-01-19. Review status: criteria provided, single submitter. Criteria: ACMG Guidelines, 2015. Collection method: clinical testing. Allele origin: germline.

Department of Pathology and Laboratory Medicine, Sinai Health System
Classification: Likely pathogenic for hearing loss, autosomal recessive 119. Last evaluated: 2023-03-15. Review status: criteria provided, single submitter. Criteria: ACMG Guidelines, 2015. Collection method: research. Allele origin: germline.

GeneDx
Classification: Likely pathogenic. Last evaluated: 2022-12-29. Review status: criteria provided, single submitter. Criteria: GeneDx Variant Classification Process June 2021. Collection method: clinical testing. Allele origin: germline. Affected: yes.
Comment: Observed with a second variant on the opposite allele (in trans) in five individuals from three families with bilateral, moderate to severe hearing loss in published literature (Richard et al., 2021); Frameshift variant predicted to result in protein truncation or nonsense mediated decay in a gene for which loss-of-function is a known mechanism of disease; This variant is associated with the following publications: (PMID: 34626583)

OMIM
Classification: Pathogenic for DEAFNESS, AUTOSOMAL RECESSIVE 119. Last evaluated: 2023-04-19. Review status: no assertion criteria provided. Collection method: literature only. Allele origin: germline. Not counted in ClinVar's aggregate classification.

Literature cited by the submitters: PubMed 34626583 (cited by OMIM).

NM_024063.3(AFG2B):c.606_619dup (p.Glu207fs)

Genes: AFG2B (AAA ATPase AFG2B; plus strand), LOC130056998 (ATAC-STARR-seq lymphoblastoid silent region 6408; plus strand). Cytogenetic location: 15q21.1.
Variant type: Duplication.
Coding change: c.606_619dup on transcript NM_024063.3 (MANE Select); coding-DNA positions 606 to 619, 14 bases duplicated (GGGAGGTCTTTCGG).
Protein change: p.Glu207fs; shifts the reading frame from glutamic acid 207.
Molecular consequence: frameshift variant. On other transcripts: non-coding transcript variant (5).
Genome position (GRCh38, 1-based): chr15:45,403,035-45,403,048, GGGAGGTCTTTCGG duplicated. VCF-style (leftmost placement, unchanged base first): chr15-45403034-T-TGGGAGGTCTTTCGG. GRCh37 (hg19) VCF-style: chr15-45695232-T-TGGGAGGTCTTTCGG.
Other names: c.606_619dup, p.Glu207fs (NM_001323640.2); c.606_619dup (NM_024063.2); c.606_619dup14 (NM_024063.3); short protein forms E207fs.
Identifiers: ClinVar variation 1321879 (VCV001321879.5), dbSNP rs765912979, ClinGen allele CA7543193.